The following is an entry in ClinVar:

ClinVar aggregate classification (germline): Uncertain significance (1 of 4 stars; one submission).

Allele frequency attached by ClinVar (database versions not stated): gnomAD 0.00001; gnomAD exomes 0.00001; ExAC 0.00003.
gnomAD v4.1: 16 of 1,613,762 alleles (0.00099%); highest among the groups gnomAD compares: South Asian, 0.012%; no homozygotes.

Submission:

Labcorp Genetics (formerly Invitae), Labcorp
Classification: Uncertain significance. Last evaluated: 2022-11-10. Review status: criteria provided, single submitter. Criteria: Invitae Variant Classification Sherloc (09022015). Collection method: clinical testing. Allele origin: germline.
Comment: Advanced modeling of protein sequence and biophysical properties (such as structural, functional, and spatial information, amino acid conservation, physicochemical variation, residue mobility, and thermodynamic stability) performed at Invitae indicates that this missense variant is not expected to disrupt FREM1 protein function. This sequence change replaces isoleucine, which is neutral and non-polar, with threonine, which is neutral and polar, at codon 257 of the FREM1 protein (p.Ile257Thr). This variant is present in population databases (rs765398054, gnomAD 0.02%). This variant has not been reported in the literature in individuals affected with FREM1-related conditions. In summary, the available evidence is currently insufficient to determine the role of this variant in disease. Therefore, it has been classified as a Variant of Uncertain Significance.

NM_001379081.2(FREM1):c.770T>C (p.Ile257Thr)

Gene: FREM1 (FRAS1 related extracellular matrix 1; minus strand). Cytogenetic location: 9p22.3.
Variant type: single nucleotide variant.
Coding change: c.770T>C on transcript NM_001379081.2 (MANE Select); coding-DNA position 770, T replaced by C.
Protein change: p.Ile257Thr; replaces isoleucine 257 with threonine.
Molecular consequence: missense variant. On other transcripts: non-coding transcript variant (4).
Genome position (GRCh38, 1-based): chr9:14,857,611, A>G on the plus strand (T>C on the coding strand, the complement: FREM1 is on the minus strand). VCF-style: chr9-14857611-A-G. GRCh37 (hg19) VCF-style: chr9-14857609-A-G.
Other names: c.797T>C, p.Ile266Thr (NM_001370060.1); c.770T>C, p.Ile257Thr (NM_001370063.1, NM_001370065.1, NM_144966.7); short protein forms I257T, I266T.
Identifiers: ClinVar variation 1934547 (VCV001934547.5), dbSNP rs765398054, ClinGen allele CA4991474.